The following is an entry in ClinVar:

NM_014014.5(SNRNP200):c.841G>A (p.Val281Met)

Gene: SNRNP200 (small nuclear ribonucleoprotein U5 subunit 200; minus strand). Cytogenetic location: 2q11.2.
Variant type: single nucleotide variant.
Coding change: c.841G>A on transcript NM_014014.5 (MANE Select); coding-DNA position 841, G replaced by A.
Protein change: p.Val281Met; replaces valine 281 with methionine.
Molecular consequence: missense variant.
Genome position (GRCh38, 1-based): chr2:96,298,856, C>T on the plus strand (G>A on the coding strand, the complement: SNRNP200 is on the minus strand). VCF-style: chr2-96298856-C-T. GRCh37 (hg19) VCF-style: chr2-96964594-C-T.
Other names: short protein forms V281M.
Identifiers: ClinVar variation 450579 (VCV000450579.15), dbSNP rs866936431, ClinGen allele CA52404708.

ClinVar aggregate classification (germline): Conflicting classifications of pathogenicity. Review status: criteria provided, conflicting classifications (1 of 4 stars). 3 submissions from 3 submitters: Uncertain significance (2); Likely benign (1). Last evaluated 2025-10-24.

Allele frequency attached by ClinVar (database versions not stated): gnomAD exomes below 0.00001 and 0.00001; TOPMed 0.00002.
gnomAD v4.1: 2 of 1,614,180 alleles (0.00012%); highest among the groups gnomAD compares: South Asian, 0.0011%; no homozygotes.

Submissions (3):

Labcorp Genetics (formerly Invitae), Labcorp
Classification: Likely benign. Last evaluated: 2025-10-24. Review status: criteria provided, single submitter. Criteria: Invitae Variant Classification Sherloc (09022015). Collection method: clinical testing. Allele origin: germline.

Blueprint Genetics
Classification: Uncertain significance. Last evaluated: 2019-08-16. Review status: criteria provided, single submitter. Criteria: ACMG Guidelines, 2015. Collection method: clinical testing. Allele origin: germline.

GeneDx
Classification: Uncertain significance. Last evaluated: 2017-07-25. Review status: criteria provided, single submitter. Criteria: GeneDx Variant Classification (06012015). Collection method: clinical testing. Allele origin: germline. Affected: yes.
Comment: The V281M variant in the SNRNP200 gene has not been reported previously as a pathogenic variant, nor as a benign variant, to our knowledge. The V281M variant is not observed in large population cohorts (Lek et al., 2016; 1000 Genomes Consortium et al., 2015; Exome Variant Server). The V281M variant is a conservative amino acid substitution, which is not likely to impact secondary protein structure as these residues share similar properties. This substitution occurs at a position that is conserved across species. In silico analysis is inconsistent in its predictions as to whether or not the variant is damaging to the protein structure/function. We interpret V281M as a variant of uncertain significance.